The following is an entry in ClinVar:

NM_004990.4(MARS1):c.2398C>T (p.Pro800Ser)

Gene: MARS1 (methionyl-tRNA synthetase 1; plus strand). Cytogenetic location: 12q13.3.
Variant type: single nucleotide variant.
Coding change: c.2398C>T on transcript NM_004990.4 (MANE Select); coding-DNA position 2398, C replaced by T.
Protein change: p.Pro800Ser; replaces proline 800 with serine.
Molecular consequence: missense variant.
Genome position (GRCh38, 1-based): chr12:57,515,926, C>T. VCF-style: chr12-57515926-C-T. GRCh37 (hg19) VCF-style: chr12-57909709-C-T.
Other names: short protein forms P800S.
Identifiers: ClinVar variation 3756794 (VCV003756794.2).
Genomic context (GRCh38, chr12:57,515,926, plus strand): 5'-TATGGTAGAGTCTGTATCCAATCAGTAGATGATTCTGGAACTCTTTTTTTACAGGTCAGT[C>T]CCTTGTTCCAAAAATTGGAAAATGACCAGATTGAAAGTTTAAGGCAGCGCTTTGGAGGGG-3'
Protein context (NP_004981.2, residues 790-810): PAGHQIGTVS[Pro800Ser]LFQKLENDQI

ClinVar aggregate classification (germline): Uncertain significance (1 of 4 stars; one submission).

Conditions:
Severe early-onset pulmonary alveolar proteinosis due to MARS deficiency. Also called: Interstitial lung and liver disease; PULMONARY ALVEOLAR PROTEINOSIS, REUNION ISLAND. Identifiers: Orphanet 440427, MedGen C4225400, MONDO:0014206, OMIM 615486.
Charcot-Marie-Tooth disease axonal type 2U. Also called: CHARCOT-MARIE-TOOTH NEUROPATHY, TYPE 2U; CHARCOT-MARIE-TOOTH DISEASE, AXONAL, AUTOSOMAL DOMINANT, TYPE 2U. Identifiers: Orphanet 397735, MedGen C4084821, MONDO:0014566, OMIM 616280.

Submission:

Labcorp Genetics (formerly Invitae), Labcorp
Classification: Uncertain significance for Charcot-Marie-Tooth disease axonal type 2U; Severe early-onset pulmonary alveolar proteinosis due to MARS deficiency. Last evaluated: 2024-06-14. Review status: criteria provided, single submitter. Criteria: Invitae Variant Classification Sherloc (09022015). Collection method: clinical testing. Allele origin: germline.
Comment: This sequence change replaces proline, which is neutral and non-polar, with serine, which is neutral and polar, at codon 800 of the MARS protein (p.Pro800Ser). This variant is not present in population databases (gnomAD no frequency). This variant has not been reported in the literature in individuals affected with MARS-related conditions. An algorithm developed to predict the effect of missense changes on protein structure and function (PolyPhen-2) suggests that this variant is likely to be disruptive. In summary, the available evidence is currently insufficient to determine the role of this variant in disease. Therefore, it has been classified as a Variant of Uncertain Significance.